The following is an entry in ClinVar:

ClinVar aggregate classification (germline): Uncertain significance. Review status: criteria provided, multiple submitters, no conflicts (2 of 4 stars). 3 submissions from 3 submitters: Uncertain significance (3). Last evaluated 2025-04-16.

Conditions:
Inborn genetic diseases. Identifiers: MedGen C0950123, MeSH D030342.

Allele frequency attached by ClinVar (database versions not stated): gnomAD exomes 0.00002; TOPMed 0.00003; gnomAD 0.00004; 1000 Genomes Project 0.00040; ExAC 0.00007; 1000 Genomes Project 30x 0.00047.
gnomAD v4.1: 36 of 1,614,154 alleles (0.0022%); highest among the groups gnomAD compares: Admixed American, 0.005%; no homozygotes.

Submissions (3):

Ambry Genetics
Classification: Uncertain significance for Inborn genetic diseases. Last evaluated: 2025-04-16. Review status: criteria provided, single submitter. Criteria: Ambry Variant Classification Scheme 2023. Collection method: clinical testing. Allele origin: germline.

GeneDx
Classification: Uncertain significance. Last evaluated: 2023-03-09. Review status: criteria provided, single submitter. Criteria: GeneDx Variant Classification Process June 2021. Collection method: clinical testing. Allele origin: germline. Affected: yes.
Comment: In silico analysis supports that this missense variant does not alter protein structure/function; Has not been previously published as pathogenic or benign to our knowledge

Labcorp Genetics (formerly Invitae), Labcorp
Classification: Uncertain significance. Last evaluated: 2022-04-16. Review status: criteria provided, single submitter. Criteria: Invitae Variant Classification Sherloc (09022015). Collection method: clinical testing. Allele origin: germline.
Comment: This sequence change replaces valine, which is neutral and non-polar, with isoleucine, which is neutral and non-polar, at codon 1141 of the DMXL2 protein (p.Val1141Ile). This variant is present in population databases (rs74839639, gnomAD 0.01%). This variant has not been reported in the literature in individuals affected with DMXL2-related conditions. Algorithms developed to predict the effect of missense changes on protein structure and function are either unavailable or do not agree on the potential impact of this missense change (SIFT: "Tolerated"; PolyPhen-2: "Probably Damaging"; Align-GVGD: "Class C0"). In summary, the available evidence is currently insufficient to determine the role of this variant in disease. Therefore, it has been classified as a Variant of Uncertain Significance.

NM_001378457.1(DMXL2):c.3421G>A (p.Val1141Ile)

Gene: DMXL2 (Dmx like 2; minus strand). Cytogenetic location: 15q21.2.
Variant type: single nucleotide variant.
Coding change: c.3421G>A on transcript NM_001378457.1 (MANE Select); coding-DNA position 3421, G replaced by A.
Protein change: p.Val1141Ile; replaces valine 1141 with isoleucine.
Molecular consequence: missense variant. On other transcripts: non-coding transcript variant (2), intron variant (2).
Genome position (GRCh38, 1-based): chr15:51,499,803, C>T on the plus strand (G>A on the coding strand, the complement: DMXL2 is on the minus strand). VCF-style: chr15-51499803-C-T. GRCh37 (hg19) VCF-style: chr15-51792000-C-T.
Other names: c.3421G>A, p.Val1141Ile (NM_001174116.3, NM_001378458.1, NM_001378459.1 and 4 more transcripts); c.3181G>A, p.Val1061Ile (NM_001378464.1); c.2764+7331G>A (NM_001378460.1); c.2765-4669G>A (NM_001174117.3); c.3421G>A (NM_001174116.1); short protein forms V1061I, V1141I.
Identifiers: ClinVar variation 2396064 (VCV002396064.7), dbSNP rs74839639, ClinGen allele CA7562168.